The following is an entry in ClinVar:

NM_021076.4(NEFH):c.1079A>C (p.Tyr360Ser)

Gene: NEFH (neurofilament heavy chain; plus strand). Cytogenetic location: 22q12.2.
Variant type: single nucleotide variant.
Coding change: c.1079A>C on transcript NM_021076.4 (MANE Select); coding-DNA position 1079, A replaced by C.
Protein change: p.Tyr360Ser; replaces tyrosine 360 with serine.
Molecular consequence: missense variant.
Genome position (GRCh38, 1-based): chr22:29,483,570, A>C. VCF-style: chr22-29483570-A-C. GRCh37 (hg19) VCF-style: chr22-29879559-A-C.
Other names: short protein forms Y360S.
Identifiers: ClinVar variation 1485066 (VCV001485066.6), dbSNP rs768679590, ClinGen allele CA411125837.

ClinVar aggregate classification (germline): Uncertain significance (1 of 4 stars; one submission).

Submission:

Labcorp Genetics (formerly Invitae), Labcorp
Classification: Uncertain significance. Last evaluated: 2021-06-19. Review status: criteria provided, single submitter. Criteria: Invitae Variant Classification Sherloc (09022015). Collection method: clinical testing. Allele origin: germline.
Comment: This sequence change replaces tyrosine with serine at codon 360 of the NEFH protein (p.Tyr360Ser). The tyrosine residue is highly conserved and there is a large physicochemical difference between tyrosine and serine. In summary, the available evidence is currently insufficient to determine the role of this variant in disease. Therefore, it has been classified as a Variant of Uncertain Significance. Advanced modeling of protein sequence and biophysical properties (such as structural, functional, and spatial information, amino acid conservation, physicochemical variation, residue mobility, and thermodynamic stability) performed at Invitae indicates that this missense variant is not expected to disrupt NEFH protein function. This variant has not been reported in the literature in individuals with NEFH-related conditions. This variant is not present in population databases (ExAC no frequency).